The following is an entry in ClinVar:

NM_201384.3(PLEC):c.6809C>G (p.Ala2270Gly)

Gene: PLEC (plectin; minus strand). Cytogenetic location: 8q24.3.
Variant type: single nucleotide variant.
Coding change: c.6809C>G on transcript NM_201384.3 (MANE Select); coding-DNA position 6809, C replaced by G.
Protein change: p.Ala2270Gly; replaces alanine 2270 with glycine.
Molecular consequence: missense variant. On other transcripts: intron variant (1).
Genome position (GRCh38, 1-based): chr8:143,923,120, G>C on the plus strand (C>G on the coding strand, the complement: PLEC is on the minus strand). VCF-style: chr8-143923120-G-C. GRCh37 (hg19) VCF-style: chr8-144997288-G-C.
Other names: c.6890C>G, p.Ala2297Gly (NM_000445.5); c.6767C>G, p.Ala2256Gly (NM_201378.4); c.6743C>G, p.Ala2248Gly (NM_201379.3); c.7220C>G, p.Ala2407Gly (NM_201380.4); c.6713C>G, p.Ala2238Gly (NM_201381.3); c.6809C>G, p.Ala2270Gly (NM_201382.4); c.6821C>G, p.Ala2274Gly (NM_201383.3); c.4126-725C>G (NM_001410941.1); short protein forms A2238G, A2248G, A2256G, A2270G, A2274G, A2297G, A2407G.
Identifiers: ClinVar variation 3749453 (VCV003749453.2).

ClinVar aggregate classification (germline): Uncertain significance (1 of 4 stars; one submission).

Conditions:
Epidermolysis bullosa simplex with nail dystrophy (EBS5D). Identifiers: MedGen C4225309, MONDO:0014661, OMIM 616487.
Autosomal recessive limb-girdle muscular dystrophy type 2Q (LGMDR17). Also called: MUSCULAR DYSTROPHY, LIMB-GIRDLE, AUTOSOMAL RECESSIVE 17. Identifiers: Orphanet 254361, MedGen C3150989, MONDO:0013390, OMIM 613723.
Epidermolysis bullosa simplex 5B, with muscular dystrophy (EBS5B). Also called: Epidermolysis bullosa simplex with muscular dystrophy; EPIDERMOLYSIS BULLOSA SIMPLEX AND LIMB-GIRDLE MUSCULAR DYSTROPHY. Identifiers: Orphanet 257, MedGen C2931072, MONDO:0009181, OMIM 226670.
Epidermolysis bullosa simplex 5C, with pyloric atresia (EBS5C). Also called: PLEC-Related Epidermolysis Bullosa with Pyloric Atresia; Epidermolysis bullosa simplex with pyloric atresia; PLEC1-Related Epidermolysis Bullosa with Pyloric Atresia. Identifiers: Orphanet 158684, MedGen C2677349, MONDO:0012807, OMIM 612138.
Epidermolysis bullosa simplex, Ogna type (EBS5A). Also called: Pidermolysis bullosa simplex 5A, Ogna type; EPIDERMOLYSIS BULLOSA SIMPLEX 5A, OGNA TYPE. Identifiers: Orphanet 79401, MedGen C0432317, MONDO:0007555, OMIM 131950.

Submission:

Labcorp Genetics (formerly Invitae), Labcorp
Classification: Uncertain significance for Autosomal recessive limb-girdle muscular dystrophy type 2Q; Epidermolysis bullosa simplex, Ogna type; Epidermolysis bullosa simplex with nail dystrophy; Epidermolysis bullosa simplex 5C, with pyloric atresia; Epidermolysis bullosa simplex 5B, with muscular dystrophy. Last evaluated: 2024-04-10. Review status: criteria provided, single submitter. Criteria: Invitae Variant Classification Sherloc (09022015). Collection method: clinical testing. Allele origin: germline.
Comment: This sequence change replaces alanine, which is neutral and non-polar, with glycine, which is neutral and non-polar, at codon 2297 of the PLEC protein (p.Ala2297Gly). This variant is not present in population databases (gnomAD no frequency). This variant has not been reported in the literature in individuals affected with PLEC-related conditions. An algorithm developed to predict the effect of missense changes on protein structure and function (PolyPhen-2) suggests that this variant is likely to be disruptive. In summary, the available evidence is currently insufficient to determine the role of this variant in disease. Therefore, it has been classified as a Variant of Uncertain Significance.